The following is an entry in ClinVar:

ClinVar aggregate classification (oncogenicity): Oncogenic (1 of 4 stars; one submission).

Conditions:
Acute myeloid leukemia (AML). Also called: Acute myeloid leukemia, adult; AML adult; Acute non-lymphocytic leukemia; Acute granulocytic leukemia; Leukemia, acute myeloid, somatic; Leukemia, acute myelogenous, somatic. Identifiers: Orphanet 519, MedGen C0023467, MeSH D015470, MONDO:0018874, OMIM 601626, HP:0004808. Disease mechanism: Constitutively activated FLT3.

Submission:

Microbiology and Molecular Biology Lab, Lahore College for Women University
Classification: Oncogenic for Acute myeloid leukemia. Last evaluated: 2025-10-12. Review status: criteria provided, single submitter. Criteria: Assertion Criteria 1.0. Collection method: research. Allele origin: somatic. Affected: yes.
Comment: NRAS cDNA Change: c.260_264delGCAAG is somatic, oncogenic mutation which is not commonly seen in any databases. This mutation is seen in exon 3 of NRAS gene where GTP ad GDP interconversion takes place. In this variant, two amino acids deletion p.S87_K88delfound which changes activity of protein. This variant has never been reported in case of AML. This variant has highly damaging effect on protein activity, structure, function, kinase activity and have oncogenic protentional after predicting this variant by various bioinformatics tools.

NM_002524.5(NRAS):c.260_264del (p.Ser87fs)

Gene: NRAS (NRAS proto-oncogene, GTPase; minus strand). Cytogenetic location: 1p13.2.
Variant type: Deletion.
Coding change: c.260_264del on transcript NM_002524.5 (MANE Select); coding-DNA positions 260 to 264, 5 bases deleted (GCAAG; older notation c.260_264delGCAAG).
Protein change: p.Ser87fs; shifts the reading frame from serine 87.
Molecular consequence: frameshift variant.
Genome position (GRCh38, 1-based): chr1:114,713,826-114,713,830, CTTGC deleted on the plus strand (GCAAG on the coding strand, the reverse complement: NRAS is on the minus strand). VCF-style (leftmost placement, unchanged base first): chr1-114713825-ACTTGC-A. GRCh37 (hg19) VCF-style: chr1-115256446-ACTTGC-A.
Other names: c.260_264delGCAAG (NM_002524.5); short protein forms S87fs.
Identifiers: ClinVar variation 4526612 (VCV004526612.1).